The following is an entry in ClinVar:

ClinVar aggregate classification (germline): Likely pathogenic (1 of 4 stars; one submission).

Conditions:
Hypophosphatasia. Also called: Phosphoethanol-aminuria. Identifiers: Orphanet 436, MedGen C0020630, MeSH D007014, MONDO:0018570.

gnomAD v4.1: 2 of 1,613,312 alleles (0.00012%); no homozygotes.

Submission:

Genomenon, Inc
Classification: Likely pathogenic for Hypophosphatasia. Last evaluated: 2025-08-29. Review status: criteria provided, single submitter. Criteria: Genomenon Sequence Variant Interpretation Standards. Collection method: curation. Allele origin: germline. Affected: yes.
Comment: ALPL p.Ala443Glu (c.1328C>A) is a missense variant that changes the amino acid at residue 443 from Alanine to Glutamic acid. This variant has been observed in at least one proband affected with hypophosphatasia (PMID:17229666). It is absent or not present at a significant frequency in gnomAD. The presence of pathogenic missense variant(s) at the same amino acid position indicates that this residue is likely important for protein function. In conclusion, we classify ALPL p.Ala443Glu (c.1328C>A) as a likely pathogenic variant.

Literature cited by the submitters: PubMed 17229666.

NM_000478.6(ALPL):c.1328C>A (p.Ala443Glu)

Gene: ALPL (alkaline phosphatase, biomineralization associated; plus strand). Cytogenetic location: 1p36.12.
Variant type: single nucleotide variant.
Coding change: c.1328C>A on transcript NM_000478.6 (MANE Select); coding-DNA position 1328, C replaced by A.
Protein change: p.Ala443Glu; replaces alanine 443 with glutamic acid.
Molecular consequence: missense variant.
Genome position (GRCh38, 1-based): chr1:21,577,401, C>A. VCF-style: chr1-21577401-C-A. GRCh37 (hg19) VCF-style: chr1-21903894-C-A.
Other names: c.1163C>A, p.Ala388Glu (NM_001127501.4); c.1097C>A, p.Ala366Glu (NM_001177520.3); c.1328C>A, p.Ala443Glu (NM_001369803.2, NM_001369804.2, NM_001369805.2); short protein forms A366E, A388E, A443E.
Identifiers: ClinVar variation 4086895 (VCV004086895.1).